The following is an entry in ClinVar:

ClinVar aggregate classification (germline): Conflicting classifications of pathogenicity. Review status: criteria provided, conflicting classifications (1 of 4 stars). 2 submissions from 2 submitters: Pathogenic (1); Uncertain significance (1). Last evaluated 2023-10-03.

Conditions:
Capillary malformation-arteriovenous malformation 2 (CMAVM2). Identifiers: Orphanet 693912, MedGen C4748670, MONDO:0020785, OMIM 618196.

gnomAD v4.1: 1 of 1,582,044 alleles (0.000063%); highest among the groups gnomAD compares: Non-Finnish European, 0.000086%; no homozygotes.

Submissions (2):

Department of Pathology and Laboratory Medicine, Sinai Health System
Classification: Uncertain significance for Capillary malformation-arteriovenous malformation 2. Last evaluated: 2023-10-03. Review status: criteria provided, single submitter. Criteria: ACMG Guidelines, 2015. Collection method: research. Allele origin: germline.

Seattle Children's Hospital Molecular Genetics Laboratory, Seattle Children's Hospital
Classification: Pathogenic. Last evaluated: 2020-05-11. Review status: criteria provided, single submitter. Criteria: ACMG Guidelines, 2015. Collection method: clinical testing. Allele origin: germline. Affected: yes.
Comment: A single individual with overlapping features is reported to have the same pathogenic variant (PMID: 30760892).

NM_004444.5(EPHB4):c.1A>G (p.Met1Val)

Genes: EPHB4 (EPH receptor B4; minus strand), SLC12A9 (solute carrier family 12 member 9; plus strand). Cytogenetic location: 7q22.1.
Variant type: single nucleotide variant.
Coding change: c.1A>G on transcript NM_004444.5 (MANE Select); coding-DNA position 1, A replaced by G.
Protein change: p.Met1Val; changes the start codon (methionine 1).
Molecular consequence: missense variant, initiator codon variant.
Genome position (GRCh38, 1-based): chr7:100,827,030, T>C on the plus strand (A>G on the coding strand, the complement: EPHB4 is on the minus strand). VCF-style: chr7-100827030-T-C. GRCh37 (hg19) VCF-style: chr7-100424652-T-C.
Other names: c.2T>C, p.Met1Thr (NM_001363494.1); short protein forms M1T, M1V.
Identifiers: ClinVar variation 1691374 (VCV001691374.4), dbSNP rs2116474071, ClinGen allele CA368585899.